The following is an entry in ClinVar:

ClinVar aggregate classification (germline): Uncertain significance. Review status: criteria provided, multiple submitters, no conflicts (2 of 4 stars). 3 submissions from 3 submitters: Uncertain significance (3). Last evaluated 2026-05-22.

Conditions:
POMC-related disorder. Also called: POMC-related condition; POMC-related disorders.
Inborn genetic diseases. Identifiers: MedGen C0950123, MeSH D030342.

Allele frequency attached by ClinVar (database versions not stated): gnomAD 0.00003; TOPMed 0.00004; 1000 Genomes Project 0.00060; 1000 Genomes Project 30x 0.00062.

Submissions (3):

PreventionGenetics, part of Exact Sciences
Classification: Uncertain significance for POMC-related condition. Last evaluated: 2026-05-22. Review status: criteria provided, single submitter. Criteria: ACMG Guidelines, 2015. Collection method: clinical testing. Allele origin: germline.
Comment: The POMC c.280A>G variant is predicted to result in the amino acid substitution p.Ser94Gly. This variant, and another variant impacting the same amino acid (p.Ser94Arg), were observed in a cohort of obese individuals, and in vitro functional studies showed function similar to wild-type levels for this variant and other variants impacting this same amino acid (p.Ser94Asn, p.Ser94Thr, p.Ser94Cys, p.Ser94Arg, and p.Ser94Ile) (Supplemental Data Set, Shah et al. 2023. PubMed ID: 36864747). This variant is reported in 0.0088% of alleles in individuals of East Asian descent in gnomAD. At this time, the clinical significance of this variant is uncertain due to the absence of conclusive functional and genetic evidence.

Ambry Genetics
Classification: Uncertain significance for Inborn genetic diseases. Last evaluated: 2024-06-10. Review status: criteria provided, single submitter. Criteria: Ambry Variant Classification Scheme 2023. Collection method: clinical testing. Allele origin: germline.

Labcorp Genetics (formerly Invitae), Labcorp
Classification: Uncertain significance. Last evaluated: 2022-04-08. Review status: criteria provided, single submitter. Criteria: Invitae Variant Classification Sherloc (09022015). Collection method: clinical testing. Allele origin: germline.
Comment: This sequence change replaces serine, which is neutral and polar, with glycine, which is neutral and non-polar, at codon 94 of the POMC protein (p.Ser94Gly). This variant is present in population databases (rs180767274, gnomAD 0.009%). This variant has not been reported in the literature in individuals affected with POMC-related conditions. Algorithms developed to predict the effect of missense changes on protein structure and function output the following: SIFT: "Not Available"; PolyPhen-2: "Benign"; Align-GVGD: "Not Available". The glycine amino acid residue is found in multiple mammalian species, which suggests that this missense change does not adversely affect protein function. In summary, the available evidence is currently insufficient to determine the role of this variant in disease. Therefore, it has been classified as a Variant of Uncertain Significance.

NM_000939.4(POMC):c.280A>G (p.Ser94Gly)

Gene: POMC (proopiomelanocortin; minus strand). Cytogenetic location: 2p23.3.
Variant type: single nucleotide variant.
Coding change: c.280A>G on transcript NM_000939.4 (MANE Select); coding-DNA position 280, A replaced by G.
Protein change: p.Ser94Gly; replaces serine 94 with glycine.
Molecular consequence: missense variant.
Genome position (GRCh38, 1-based): chr2:25,161,605, T>C on the plus strand (A>G on the coding strand, the complement: POMC is on the minus strand). VCF-style: chr2-25161605-T-C. GRCh37 (hg19) VCF-style: chr2-25384474-T-C.
Other names: c.280A>G, p.Ser94Gly (NM_001035256.3, NM_001319204.2, NM_001319205.2); c.280A>G (NM_000939.3, NM_001035256.1); short protein forms S94G.
Identifiers: ClinVar variation 2085249 (VCV002085249.5), dbSNP rs180767274, ClinGen allele CA1555340.